The following is an entry in ClinVar:

ClinVar aggregate classification (germline): Uncertain significance. Review status: criteria provided, multiple submitters, no conflicts (2 of 4 stars). 2 submissions from 2 submitters: Uncertain significance (2). Last evaluated 2025-10-28.

Conditions:
Inborn genetic diseases. Identifiers: MedGen C0950123, MeSH D030342.
Congenital disorder of glycosylation type 1E (CDG1E). Also called: CONGENITAL DISORDER OF GLYCOSYLATION, TYPE Ie; CDG Ie. Identifiers: Orphanet 79322, MedGen C1837396, MONDO:0012123, OMIM 608799.

Submissions (2):

Ambry Genetics
Classification: Uncertain significance for Inborn genetic diseases. Last evaluated: 2025-10-28. Review status: criteria provided, single submitter. Criteria: Ambry Variant Classification Scheme 2023. Collection method: clinical testing. Allele origin: germline.

Labcorp Genetics (formerly Invitae), Labcorp
Classification: Uncertain significance for Congenital disorder of glycosylation type 1E. Last evaluated: 2018-11-26. Review status: criteria provided, single submitter. Criteria: Invitae Variant Classification Sherloc (09022015). Collection method: clinical testing. Allele origin: germline.
Comment: This sequence change replaces glutamic acid with aspartic acid at codon 193 of the DPM1 protein (p.Glu193Asp). The glutamic acid residue is moderately conserved and there is a small physicochemical difference between glutamic acid and aspartic acid. This variant is not present in population databases (ExAC no frequency). This variant has not been reported in the literature in individuals with DPM1-related disease. Algorithms developed to predict the effect of missense changes on protein structure and function (SIFT, PolyPhen-2, Align-GVGD) all suggest that this variant is likely to be tolerated, but these predictions have not been confirmed by published functional studies and their clinical significance is uncertain. In summary, the available evidence is currently insufficient to determine the role of this variant in disease. Therefore, it has been classified as a Variant of Uncertain Significance.

NM_003859.3(DPM1):c.579A>C (p.Glu193Asp)

Genes: DPM1 (dolichyl-phosphate mannosyltransferase subunit 1, catalytic; minus strand), ADNP-AS1 (ADNP antisense RNA 1; plus strand). Cytogenetic location: 20q13.13.
Variant type: single nucleotide variant.
Coding change: c.579A>C on transcript NM_003859.3 (MANE Select); coding-DNA position 579, A replaced by C.
Protein change: p.Glu193Asp; replaces glutamic acid 193 with aspartic acid.
Molecular consequence: missense variant. On other transcripts: non-coding transcript variant (1).
Genome position (GRCh38, 1-based): chr20:50,936,247, T>G on the plus strand (A>C on the coding strand, the complement: DPM1 is on the minus strand). VCF-style: chr20-50936247-T-G. GRCh37 (hg19) VCF-style: chr20-49552784-T-G.
Other names: c.684A>C, p.Glu228Asp (NM_001317034.1); c.660A>C, p.Glu220Asp (NM_001317035.1); c.510A>C, p.Glu170Asp (NM_001317036.1); short protein forms E193D, E170D, E220D, E228D.
Identifiers: ClinVar variation 658015 (VCV000658015.2), dbSNP rs1601016907, ClinGen allele CA408987592.
Genomic context (GRCh38, chr20:50,936,247, plus strand): 5'-CATCTCCATCTGGAAGACGTAGCCTTTAGAAACACATTTTTCTATTAATTTCTCTAGAAC[T>G]TCTTTTCGGTATAATCTGTAAGAAATTAAAAATATATATCAACTTCTGGATAAATACACA-3'
Protein context (NP_003850.1, residues 183-203): LTGSFRLYRK[Glu193Asp]VLEKLIEKCV